The following is an entry in ClinVar:

NM_201525.4(ADGRG1):c.739_745del (p.Gln247fs)

Gene: ADGRG1 (adhesion G protein-coupled receptor G1; plus strand). Cytogenetic location: 16q21.
Variant type: Deletion.
Coding change: c.739_745del on transcript NM_201525.4 (MANE Select); coding-DNA positions 739 to 745, 7 bases deleted (CAGGACC; older notation c.739_745delCAGGACC).
Protein change: p.Gln247fs; shifts the reading frame from glutamine 247.
Molecular consequence: frameshift variant.
Genome position (GRCh38, 1-based): chr16:57,654,104-57,654,110, CAGGACC deleted; deleting any 7 consecutive bases within chr16:57,654,103-57,654,110 gives the same sequence; the c. name uses the placement nearest the transcript's 3' end. VCF-style (leftmost placement, unchanged base first): chr16-57654102-TCCAGGAC-T. GRCh37 (hg19) VCF-style: chr16-57688014-TCCAGGAC-T.
Other names: ADGRG1, 7-BP DEL, NT739; c.739_745del, p.Gln247fs (NM_001145770.3, NM_001145771.3, NM_001145772.3 and 16 more transcripts); c.754_760del, p.Gln252fs (NM_001145773.3, NM_001370433.1); c.229_235del, p.Gln77fs (NM_001290142.2); c.214_220del, p.Gln72fs (NM_001290143.2, NM_001290144.2, NM_001370451.1 and 2 more transcripts); c.583_589del, p.Gln195fs (NM_001370442.1); c.739_745delCAGGACC (NM_005682.7, NM_005682.5); short protein forms Q247fs, Q77fs, Q195fs, Q72fs, Q252fs.
Identifiers: ClinVar variation 5828 (VCV000005828.29), dbSNP rs587776625, ClinGen allele CA253606.
Genomic context (GRCh38, chr16:57,654,102, plus strand): 5'-TGTCCTTCGAGGAGGACCGGATCAACGCCACGGTGTGGAAGCTCCAGCCCACAGCCGGCC[TCCAGGAC>T]CTGCACATCCACTCCCGGCAGGAGGTCAGGGGCAGGCCTGGGCAGGAAGCAGATGCGGGT-3'

ClinVar aggregate classification (germline): Pathogenic. Review status: criteria provided, multiple submitters, no conflicts (2 of 4 stars). 11 submissions from 11 submitters: Pathogenic (9). 2 of the submissions do not count toward it. Last evaluated 2025-08-06.

Conditions:
Polymicrogyria, bilateral perisylvian, autosomal recessive (CDCBM14B). Also called: CORTICAL DYSPLASIA, COMPLEX, WITH OTHER BRAIN MALFORMATIONS 14B (BILATERAL PERISYLVIAN). Identifiers: MedGen C3810405, MONDO:0014333, OMIM 615752.
Bilateral frontoparietal polymicrogyria. Also called: CORTICAL DYSPLASIA, COMPLEX, WITH OTHER BRAIN MALFORMATIONS 14A (BILATERAL FRONTOPARIETAL); CEREBELLAR ATAXIA WITH NEURONAL MIGRATION DEFECT. Identifiers: Orphanet 101070, MedGen C1847352, MONDO:0011738, OMIM 606854.

Submissions (11):

Natera, Inc.
Classification: Pathogenic for Bilateral frontoparietal polymicrogyria. Last evaluated: 2025-08-06. Review status: criteria provided, single submitter. Criteria: Natera Variant Classification Schema (03/2026). Collection method: clinical testing. Allele origin: germline.
Comment: The c.739_745delCAGGACC variant in ADGRG1 is a frameshift variant predicted to shift the reading frame beginning at codon 247 and leads to a stop codon 74 codons downstream. This variant is expected to result in nonsense mediated decay, truncation, or a dysfunctional protein product. This variant is rare in the general population with a frequency below the threshold expected for the associated phenotype(s). This variant has been observed in one or more individuals affected with the associated recessive disease, as either homozygous or compound heterozygous with a second variant (PMID: 25922261). Additionally, this variant has been observed to segregate in affected family members (PMID: 15044805). Given the available evidence, this variant is classified as Pathogenic.

Genomic Medicine Center of Excellence, King Faisal Specialist Hospital and Research Centre
Classification: Pathogenic for Bilateral frontoparietal polymicrogyria. Last evaluated: 2024-12-19. Review status: criteria provided, single submitter. Criteria: ACMG Guidelines, 2015. Collection method: clinical testing. Allele origin: germline.

Labcorp Genetics (formerly Invitae), Labcorp
Classification: Pathogenic. Last evaluated: 2024-11-11. Review status: criteria provided, single submitter. Criteria: Invitae Variant Classification Sherloc (09022015). Collection method: clinical testing. Allele origin: germline.
Comment: This sequence change creates a premature translational stop signal (p.Gln247Cysfs*74) in the ADGRG1 gene. It is expected to result in an absent or disrupted protein product. Loss-of-function variants in ADGRG1 are known to be pathogenic (PMID: 15044805, 20929962). This variant is present in population databases (rs749257776, gnomAD 0.05%). This premature translational stop signal has been observed in individuals with bilateral frontoparietal polymicrogyria (PMID: 15044805). This variant is also known as 739_746delCAGGACC. ClinVar contains an entry for this variant (Variation ID: 5828). For these reasons, this variant has been classified as Pathogenic.

Fulgent Genetics
Classification: Pathogenic for Bilateral frontoparietal polymicrogyria; Polymicrogyria, bilateral perisylvian, autosomal recessive. Last evaluated: 2024-02-10. Review status: criteria provided, single submitter. Criteria: ACMG Guidelines, 2015. Collection method: clinical testing. Allele origin: germline.

Neuberg Centre For Genomic Medicine, NCGM
Classification: Pathogenic for Bilateral frontoparietal polymicrogyria. Last evaluated: 2023-06-22. Review status: criteria provided, single submitter. Criteria: ACMG Guidelines, 2015. Collection method: clinical testing. Allele origin: germline. Inheritance: Autosomal recessive inheritance. Affected: yes.
Comment: The observed frameshift variant c.739_745del(p.Gln247CysfsTer74) in ADGRG1 has been reported previously in multiple individual(s) affected with bilateral frontoparietal polymicrogyria (Piao X, et al. , 2004). This variant is reported with the allele frequency of 0.01% in the gnomAD exome. This variant has been reported to the ClinVar database as Pathogenic by multiple submitters. This variant causes a frameshift starting with codon Glutamine 247, changes this amino acid to Cysteine residue, and creates a premature Stop codon at position 74 of the new reading frame, denoted p.Gln247CysfsTer74. This variant is predicted to cause a loss of normal protein function through protein truncation. Loss of function variants have been previously reported to be disease causing. For these reasons, this variant has been classified as Pathogenic. In the absence of another reportable variant, the molecular diagnosis is not confirmed.

3billion
Classification: Pathogenic for Bilateral frontoparietal polymicrogyria. Last evaluated: 2022-05-22. Review status: criteria provided, single submitter. Criteria: ACMG Guidelines, 2015. Collection method: clinical testing. Allele origin: germline. Affected: yes. Observed: 1 homozygote.
Comment: The variant is observed at an extremely low frequency in the gnomAD v2.1.1 dataset (total allele frequency: 0.006%). Frameshift: predicted to result in a loss or disruption of normal protein function through nonsense-mediated decay (NMD) or protein truncation. Multiple pathogenic variants are reported downstream of the variant. The variant has been reported at least twice as pathogenic with clinical assertions and evidence for the classification (ClinVar ID: VCV000005828 / PMID: 15044805). Therefore, this variant is classified as pathogenic according to the recommendation of ACMG/AMP guideline.

GeneDx
Classification: Pathogenic. Last evaluated: 2022-02-16. Review status: criteria provided, single submitter. Criteria: GeneDx Variant Classification Process June 2021. Collection method: clinical testing. Allele origin: germline. Affected: yes.
Comment: Frameshift variant predicted to result in protein truncation or nonsense mediated decay in a gene for which loss-of-function is a known mechanism of disease; This variant is associated with the following publications: (PMID: 15044805)

Institute of Human Genetics, University of Leipzig Medical Center
Classification: Pathogenic for Bilateral frontoparietal polymicrogyria. Last evaluated: 2018-03-19. Review status: criteria provided, single submitter. Criteria: ACMG Guidelines, 2015. Collection method: clinical testing. Allele origin: germline. Affected: yes. Observed: 1 variant allele.
Comment: This variant was identified as homozygous

Genetic Services Laboratory, University of Chicago
Classification: Pathogenic for Polymicrogyria, bilateral frontoparietal. Last evaluated: 2013-02-08. Review status: criteria provided, single submitter. Criteria: ACMG Guidelines, 2007. Collection method: clinical testing. Allele origin: germline. Affected: yes.

Foundation for Research in Genetics and Endocrinology, FRIGE's Institute of Human Genetics
Classification: Pathogenic for Bilateral frontoparietal polymicrogyria. Last evaluated: 2018-08-24. Review status: no assertion criteria provided. Collection method: clinical testing. Allele origin: germline. Inheritance: Autosomal recessive inheritance. Affected: yes. Observed: 1 homozygote. Not counted in ClinVar's aggregate classification.
Comment: The observed variant c.739_745delCAGGACC (p.Gln247CysfsTer74) is not reported in 1000 Genomes and its minor allele frequency in the ExAC database is 0.006%. The in silico prediction of the given variant is disease causing by MutationTaster2.

OMIM
Classification: Pathogenic for CORTICAL DYSPLASIA, COMPLEX, WITH OTHER BRAIN MALFORMATIONS 14A (BILATERAL FRONTOPARIETAL). Last evaluated: 2004-03-26. Review status: no assertion criteria provided. Collection method: literature only. Allele origin: germline. Not counted in ClinVar's aggregate classification.

Literature cited by the submitters: PubMed 25922261 (cited by Natera, Inc.); PubMed 15044805 (cited by 4 submitters); PubMed 20929962 (cited by Labcorp Genetics (formerly Invitae), Labcorp).